The following is an entry in ClinVar:

NM_001371904.1(APOA5):c.548A>T (p.His183Leu)

Gene: APOA5 (apolipoprotein A5; minus strand). Cytogenetic location: 11q23.3.
Variant type: single nucleotide variant.
Coding change: c.548A>T on transcript NM_001371904.1 (MANE Select); coding-DNA position 548, A replaced by T.
Protein change: p.His183Leu; replaces histidine 183 with leucine.
Molecular consequence: missense variant.
Genome position (GRCh38, 1-based): chr11:116,790,681, T>A on the plus strand (A>T on the coding strand, the complement: APOA5 is on the minus strand). VCF-style: chr11-116790681-T-A. GRCh37 (hg19) VCF-style: chr11-116661397-T-A.
Other names: c.548A>T, p.His183Leu (NM_001166598.2, NM_052968.5); short protein forms H183L.
Identifiers: ClinVar variation 2452817 (VCV002452817.2), dbSNP rs760475712, ClinGen allele CA6289054.

ClinVar aggregate classification (germline): Uncertain significance (1 of 4 stars; one submission).

Conditions:
Cardiovascular phenotype. Identifiers: MedGen CN230736.

Allele frequency attached by ClinVar (database versions not stated): ExAC 0.00001; gnomAD exomes 0.00003.

Submission:

Ambry Genetics
Classification: Uncertain significance for Cardiovascular phenotype. Last evaluated: 2022-12-11. Review status: criteria provided, single submitter. Criteria: Ambry Variant Classification Scheme 2023. Collection method: clinical testing. Allele origin: germline.
Comment: The p.H183L variant (also known as c.548A>T), located in coding exon 3 of the APOA5 gene, results from an A to T substitution at nucleotide position 548. The histidine at codon 183 is replaced by leucine, an amino acid with similar properties. This amino acid position is conserved. In addition, the in silico prediction for this alteration is inconclusive. Since supporting evidence is limited at this time, the clinical significance of this alteration remains unclear.